The following is an entry in ClinVar:

ClinVar aggregate classification (germline): Pathogenic. Review status: criteria provided, multiple submitters, no conflicts (2 of 4 stars). 4 submissions from 4 submitters: Pathogenic (2). 2 of the submissions do not count toward it. Last evaluated 2019-04-01.
ClinVar aggregate classification (somatic clinical impact): Tier I - Strong. Review status: criteria provided, single submitter (1 of 4 stars). 3 submissions from 1 submitter. Last evaluated 2024-08-08.

Conditions:
Non-small cell lung carcinoma (NSCLC). Also called: Non-small cell lung cancer. Identifiers: MedGen C0007131, MeSH D002289, MONDO:0005233, HP:0030358. Disease mechanism: Other.
Neoplasm of the large intestine. Also called: Colorectal neoplasm; Colorectal Neoplasms. Identifiers: MedGen C0009404, MeSH D015179, MONDO:0005335, HP:0100834.
Childhood ganglioglioma. Identifiers: MedGen C1332969.
High grade astrocytic tumor. Identifiers: Orphanet 251561, MedGen C3640999, MONDO:0016680.
Low grade glioma. Identifiers: MedGen C1997217, MONDO:0021637.
Pilocytic astrocytoma. Also called: Pilocytic astrocytoma, somatic. Identifiers: Orphanet 251612, MedGen C0334583, MONDO:0016691, HP:0033680.

Submissions (7):

Institute for Genomic Medicine (IGM) Clinical Laboratory, Nationwide Children's Hospital
Classification: Tier I - Strong for Low grade glioma. Assertion type: diagnostic. Clinical significance: supports diagnosis. Last evaluated: 2024-08-08. Review status: criteria provided, single submitter. Criteria: AMP/ASCO/CAP Guidelines, 2017. Collection method: clinical testing. Allele origin: somatic. Affected: yes.
Comment: Variant has Tier I (strong) clinical significance as a diagnostic inclusion criterion in low grade glioma, based on the following evidence: 1) Documented in one or more cancer databases (e.g., St. Jude Pecan, COSMIC, CIViC, OncoKB). 2) Appears in one or more well-established professional guidelines (e.g., World Health Organization [WHO]; National Comprehensive Cancer Network [NCCN]) as providing diagnostic, prognostic, or therapeutic information. 3) Information in the literature supports potential biologic effect of variant (PMIDs: 21190184, 19363522). 4) Diagnostic for a specific tumor type/classification based on well-powered studies with expert-level consensus (Evidence Level B; PMIDs: 23583981, 25785246, 28912153, 32289278).

Institute for Genomic Medicine (IGM) Clinical Laboratory, Nationwide Children's Hospital
Classification: Tier I - Strong for High grade astrocytic tumor. Assertion type: diagnostic. Clinical significance: supports diagnosis. Last evaluated: 2023-02-02. Review status: criteria provided, single submitter. Criteria: AMP/ASCO/CAP Guidelines, 2017. Collection method: clinical testing. Allele origin: somatic. Affected: yes.
Comment: Variant has Tier I (strong) clinical significance as a diagnostic inclusion criterion in high grade astrocytic tumor, based on the following evidence: 1) Documented in one or more cancer databases (e.g., St. Jude Pecan, COSMIC, CIViC, OncoKB). 2) Information in the literature supports potential biologic effect of variant (PMIDs: 21190184, 19363522). 3) Diagnostic for a specific tumor type/classification based on well-powered studies with expert-level consensus (Evidence Level B; PMIDs: 32289278, 23583981, 28912153, 28966033, 25752754, 23552385, 29105198, 29763623).

Institute for Genomic Medicine (IGM) Clinical Laboratory, Nationwide Children's Hospital
Classification: Tier I - Strong for Pilocytic astrocytoma. Assertion type: diagnostic. Clinical significance: supports diagnosis. Last evaluated: 2022-10-20. Review status: criteria provided, single submitter. Criteria: AMP/ASCO/CAP Guidelines, 2017. Collection method: clinical testing. Allele origin: somatic. Affected: yes.
Comment: Variant has Tier I (strong) clinical significance as a diagnostic inclusion criterion in pilocytic astrocytoma, based on the following evidence: 1) Documented in one or more cancer databases (e.g., St. Jude Pecan, COSMIC, CIViC, OncoKB). 2) Appears in one or more well-established professional guidelines (e.g., World Health Organization [WHO]; National Comprehensive Cancer Network [NCCN]) as providing diagnostic, prognostic, or therapeutic information. 3) Information in the literature supports potential biologic effect of variant (PMIDs: 21190184, 19363522). 4) Diagnostic for a specific tumor type/classification according to professional guidelines (Evidence Level A; PMIDs: 34185076, 30575814, 21190184, 19363522).

CeGaT Center for Human Genetics Tuebingen
Classification: Pathogenic. Last evaluated: 2019-04-01. Review status: criteria provided, single submitter. Criteria: CeGaT Center For Human Genetics Tuebingen Variant Classification Criteria Version 2. Collection method: clinical testing. Allele origin: germline. Affected: yes. Observed: 1 variant allele.

Laboratory for Molecular Medicine, Mass General Brigham Personalized Medicine
Classification: Pathogenic for Non-small cell lung carcinoma; Neoplasm of the large intestine. Last evaluated: 2013-06-20. Review status: criteria provided, single submitter. Criteria: LMM Criteria. Collection method: clinical testing. Allele origin: somatic. Observed: 4 variant alleles.
Comment: The Thr599dup variant has been observed in a number of tumor types, including an aplastic thyroid carcinoma, melanoma, pancreatic adenocarcinoma and pilocytic as trocytomas (Jones 2009, Kubo 2009, Yu 2009, Eisenhardt 2011, Gauchotte 2011, Lon g 2011, Menzies 2012). In addition, it has been reported to have similar kinase activity as the BRAF Val600Glu variant (Eisenhardt 2011).

Institute for Genomic Medicine, Nationwide Children's Hospital
Classification: Pathogenic for Childhood ganglioglioma. Last evaluated: 2017-10-09. Review status: no assertion criteria provided. Collection method: research. Allele origin: somatic. Inheritance: Somatic mutation. Affected: yes. Observed: 1 variant allele, 1 heterozygote. Not counted in ClinVar's aggregate classification.
Comment: The duplication of three nucleotides (c.1794_1796TAC) is a nonframeshift variant that results in addition of a Threonine residue between Thr599 and Val600 in BRAF. In vitro studies of this variant demonstrated an increased kinase activity and cellular MEK/ERK activation potential comparable to that of BRAF V600E (Eisenhardt et al., 2011). Presumably, the insertion of an additional Threonine residue at this position destabilizes the inactive conformation of the BRAF kinase domain.

Department of Pathology and Laboratory Medicine, Sinai Health System
Classification: Uncertain significance. Review status: flagged submission. Collection method: clinical testing. Allele origin: unknown. Affected: yes. Observed: 1 variant allele. Study: The Canadian Open Genetics Repository (COGR). Not counted in ClinVar's aggregate classification.
ClinVar note: Reason: Outlier claim with insufficient supporting evidence

Literature cited by the submitters: PubMed 21190184 (cited by Institute for Genomic Medicine (IGM) Clinical Laboratory, Nationwide Children's Hospital and Laboratory for Molecular Medicine, Mass General Brigham Personalized Medicine); PubMed 19363522 (cited by Institute for Genomic Medicine (IGM) Clinical Laboratory, Nationwide Children's Hospital and Laboratory for Molecular Medicine, Mass General Brigham Personalized Medicine); PubMed 23583981 (cited by Institute for Genomic Medicine (IGM) Clinical Laboratory, Nationwide Children's Hospital); PubMed 25785246 (cited by Institute for Genomic Medicine (IGM) Clinical Laboratory, Nationwide Children's Hospital); PubMed 28912153 (cited by Institute for Genomic Medicine (IGM) Clinical Laboratory, Nationwide Children's Hospital); PubMed 32289278 (cited by Institute for Genomic Medicine (IGM) Clinical Laboratory, Nationwide Children's Hospital); PubMed 28966033 (cited by Institute for Genomic Medicine (IGM) Clinical Laboratory, Nationwide Children's Hospital); PubMed 25752754 (cited by Institute for Genomic Medicine (IGM) Clinical Laboratory, Nationwide Children's Hospital); PubMed 23552385 (cited by Institute for Genomic Medicine (IGM) Clinical Laboratory, Nationwide Children's Hospital); PubMed 29105198 (cited by Institute for Genomic Medicine (IGM) Clinical Laboratory, Nationwide Children's Hospital); PubMed 29763623 (cited by Institute for Genomic Medicine (IGM) Clinical Laboratory, Nationwide Children's Hospital); PubMed 34185076 (cited by Institute for Genomic Medicine (IGM) Clinical Laboratory, Nationwide Children's Hospital); PubMed 30575814 (cited by Institute for Genomic Medicine (IGM) Clinical Laboratory, Nationwide Children's Hospital); PubMed 19794125 (cited by Laboratory for Molecular Medicine, Mass General Brigham Personalized Medicine); PubMed 21716161 (cited by Laboratory for Molecular Medicine, Mass General Brigham Personalized Medicine); PubMed 21343559 (cited by Laboratory for Molecular Medicine, Mass General Brigham Personalized Medicine); PubMed 22535154 (cited by Laboratory for Molecular Medicine, Mass General Brigham Personalized Medicine).

NM_004333.6(BRAF):c.1794_1796dup (p.Thr599dup)

Gene: BRAF (B-Raf proto-oncogene, serine/threonine kinase; minus strand). Cytogenetic location: 7q34.
Variant type: Duplication.
Coding change: c.1794_1796dup on transcript NM_004333.6 (MANE Select); coding-DNA positions 1794 to 1796, 3 bases duplicated (TAC; older notation c.1794_1796dupTAC).
Protein change: p.Thr599dup; duplicates threonine 599.
Molecular consequence: inframe insertion.
Genome position (GRCh38, 1-based): chr7:140,753,339-140,753,341, GTA duplicated on the plus strand (TAC on the coding strand, the reverse complement: BRAF is on the minus strand); duplicating any 3 consecutive bases within chr7:140,753,339-140,753,342 gives the same sequence; the c. name uses the placement nearest the transcript's 3' end. VCF-style (leftmost placement, unchanged base first): chr7-140753338-T-TGTA. GRCh37 (hg19) VCF-style: chr7-140453138-T-TGTA.
Other names: p.Thr599_Val600insThr; c.1794_1796dup, p.Thr599dup (NM_001354609.2, NM_001378468.1, NM_001378474.1); c.1914_1916dup, p.Thr639dup (NM_001374244.1, NM_001374258.1); c.1803_1805dup, p.Thr602dup (NM_001378467.1); c.1728_1730dup, p.Thr577dup (NM_001378469.1); c.1692_1694dup, p.Thr565dup (NM_001378470.1); c.1683_1685dup, p.Thr562dup (NM_001378471.1); c.1638_1640dup, p.Thr547dup (NM_001378472.1, NM_001378473.1); and 1 more.
Identifiers: ClinVar variation 162793 (VCV000162793.61), dbSNP rs727502902, ClinGen allele CA251212.